The following is an entry in ClinVar:

ClinVar aggregate classification (germline): Pathogenic. Review status: criteria provided, multiple submitters, no conflicts (2 of 4 stars). 2 submissions from 2 submitters: Pathogenic (2). Last evaluated 2026-06-01.

Conditions:
Early-infantile DEE. Also called: Early infantile epileptic encephalopathy; Early infantile epileptic encephalopathy with suppression bursts; Ohtahara syndrome. Identifiers: Orphanet 1934, MedGen C0393706, MONDO:0800491.

Submissions (2):

CeGaT Center for Human Genetics Tuebingen
Classification: Pathogenic. Last evaluated: 2026-06-01. Review status: criteria provided, single submitter. Criteria: CeGaT Center For Human Genetics Tuebingen Variant Classification Criteria Version 2. Collection method: clinical testing. Allele origin: germline. Affected: yes. Observed: 1 variant allele.
Comment: SCN1A: PM2, PM5, PS2:Moderate, PM1:Supporting, PP2, PP3, PS4:Supporting

Labcorp Genetics (formerly Invitae), Labcorp
Classification: Pathogenic for Early-infantile DEE. Last evaluated: 2022-05-14. Review status: criteria provided, single submitter. Criteria: Invitae Variant Classification Sherloc (09022015). Collection method: clinical testing. Allele origin: germline.
Comment: For these reasons, this variant has been classified as Pathogenic. This variant disrupts the p.Arg1329 amino acid residue in SCN1A. Other variant(s) that disrupt this residue have been observed in individuals with SCN1A-related conditions (PMID: 31864146), which suggests that this may be a clinically significant amino acid residue. Advanced modeling of protein sequence and biophysical properties (such as structural, functional, and spatial information, amino acid conservation, physicochemical variation, residue mobility, and thermodynamic stability) performed at Invitae indicates that this missense variant is expected to disrupt SCN1A protein function. This variant is also known as c.3953G>C, p.R1318P . This missense change has been observed in individual(s) with epilepsy (PMID: 31009440). In at least one individual the variant was observed to be de novo. This variant is not present in population databases (gnomAD no frequency). This sequence change replaces arginine, which is basic and polar, with proline, which is neutral and non-polar, at codon 1329 of the SCN1A protein (p.Arg1329Pro).

Literature cited by the submitters: PubMed 31864146 (cited by Labcorp Genetics (formerly Invitae), Labcorp); PubMed 31009440 (cited by Labcorp Genetics (formerly Invitae), Labcorp).

NM_001165963.4(SCN1A):c.3986G>C (p.Arg1329Pro)

Genes: SCN1A (sodium voltage-gated channel alpha subunit 1; minus strand), LOC102724058 (uncharacterized LOC102724058; plus strand). Cytogenetic location: 2q24.3.
Variant type: single nucleotide variant.
Coding change: c.3986G>C on transcript NM_001165963.4 (MANE Select); coding-DNA position 3986, G replaced by C.
Protein change: p.Arg1329Pro; replaces arginine 1329 with proline.
Molecular consequence: missense variant. On other transcripts: non-coding transcript variant (1).
Genome position (GRCh38, 1-based): chr2:166,009,735, C>G on the plus strand (G>C on the coding strand, the complement: SCN1A is on the minus strand). VCF-style: chr2-166009735-C-G. GRCh37 (hg19) VCF-style: chr2-166866245-C-G.
Other names: c.3902G>C, p.Arg1301Pro (NM_001165964.3, NM_001353957.2, NM_001353958.2); c.3986G>C, p.Arg1329Pro (NM_001202435.3, NM_001353948.2); c.3953G>C, p.Arg1318Pro (NM_001353949.2, NM_001353950.2, NM_001353951.2 and 2 more transcripts); c.3950G>C, p.Arg1317Pro (NM_001353954.2, NM_001353955.2); c.3899G>C, p.Arg1300Pro (NM_001353960.2); c.1544G>C, p.Arg515Pro (NM_001353961.2); short protein forms R1317P, R1300P, R1318P, R1301P, R515P, R1329P.
Identifiers: ClinVar variation 2169505 (VCV002169505.6), dbSNP rs1032633248, ClinGen allele CA349052924.
Genomic context (GRCh38, chr2:166,009,735, plus strand): 5'-ATTTTGGCTATATACAATACTTCAGGTTCTTTCATTTTTCTTACCCTCATCCCTTCAAAT[C>G]GAGATAAGGCTCTTAGAGGTCTCAGAGCTCTTAGTGTCCTGAGAGATTTGATGGCTCCAA-3'
Protein context (NP_001159435.1, residues 1319-1339): RALRPLRALS[Arg1329Pro]FEGMRVVVNA